The following is an entry in ClinVar:

NM_181712.5(KANK4):c.2921C>T (p.Pro974Leu)

Gene: KANK4 (KN motif and ankyrin repeat domains 4; minus strand). Cytogenetic location: 1p31.3.
Variant type: single nucleotide variant.
Coding change: c.2921C>T on transcript NM_181712.5 (MANE Select); coding-DNA position 2921, C replaced by T.
Protein change: p.Pro974Leu; replaces proline 974 with leucine.
Molecular consequence: missense variant.
Genome position (GRCh38, 1-based): chr1:62,238,344, G>A on the plus strand (C>T on the coding strand, the complement: KANK4 is on the minus strand). VCF-style: chr1-62238344-G-A. GRCh37 (hg19) VCF-style: chr1-62704016-G-A.
Other names: c.1037C>T, p.Pro346Leu (NM_001320269.2); short protein forms P346L, P974L.
Identifiers: ClinVar variation 4807112 (VCV004807112.1).

ClinVar aggregate classification (germline): Uncertain significance (1 of 4 stars; one submission).

gnomAD v4.1: 1 of 1,614,046 alleles (0.000062%); highest among the groups gnomAD compares: African/African-American, 0.0013%; no homozygotes.

Submission:

Labcorp Genetics (formerly Invitae), Labcorp
Classification: Uncertain significance. Last evaluated: 2025-09-22. Review status: criteria provided, single submitter. Criteria: Invitae Variant Classification Sherloc (09022015). Collection method: clinical testing. Allele origin: germline.
Comment: This sequence change replaces proline, which is neutral and non-polar, with leucine, which is neutral and non-polar, at codon 974 of the KANK4 protein (p.Pro974Leu). This variant is not present in population databases (gnomAD no frequency). This variant has not been reported in the literature in individuals affected with KANK4-related conditions. An algorithm developed to predict the effect of missense changes on protein structure and function (PolyPhen-2) suggests that this variant is likely to be tolerated. In summary, the available evidence is currently insufficient to determine the role of this variant in disease. Therefore, it has been classified as a Variant of Uncertain Significance.